The following is an entry in ClinVar:

NM_001378778.1(MPDZ):c.1445T>A (p.Leu482Ter)

Gene: MPDZ (multiple PDZ domain crumbs cell polarity complex component; minus strand). Cytogenetic location: 9p23.
Variant type: single nucleotide variant.
Coding change: c.1445T>A on transcript NM_001378778.1 (MANE Select); coding-DNA position 1445, T replaced by A.
Protein change: p.Leu482Ter; replaces leucine 482 with a stop codon.
Molecular consequence: nonsense.
Genome position (GRCh38, 1-based): chr9:13,205,945, A>T on the plus strand (T>A on the coding strand, the complement: MPDZ is on the minus strand). VCF-style: chr9-13205945-A-T. GRCh37 (hg19) VCF-style: chr9-13205944-A-T.
Other names: c.1445T>A, p.Leu482Ter (NM_001261406.2, NM_001261407.2, NM_001330637.2 and 14 more transcripts); short protein forms L482*.
Identifiers: ClinVar variation 1703122 (VCV001703122.5), dbSNP rs2495861105, ClinGen allele CA372943086.

ClinVar aggregate classification (germline): Pathogenic/Likely pathogenic. Review status: criteria provided, multiple submitters, no conflicts (2 of 4 stars). 2 submissions from 2 submitters: Pathogenic (1); Likely pathogenic (1). Last evaluated 2025-04-14.

Conditions:
Hydrocephalus, nonsyndromic, autosomal recessive 2. Also called: Hydrocephalus, congenital, 2, with or without brain or eye anomalies. Identifiers: Orphanet 2185, MedGen C3554691, MONDO:0014085, OMIM 615219.

Allele frequency attached by ClinVar (database versions not stated): gnomAD exomes below 0.00001.
gnomAD v4.1: 6 of 1,607,624 alleles (0.00037%); highest among the groups gnomAD compares: Non-Finnish European, 0.00051%; no homozygotes.

Submissions (2):

Women's Health and Genetics/Laboratory Corporation of America, LabCorp
Classification: Pathogenic for Hydrocephalus, nonsyndromic, autosomal recessive 2. Last evaluated: 2025-04-14. Review status: criteria provided, single submitter. Criteria: LabCorp Variant Classification Summary - May 2015. Collection method: clinical testing. Allele origin: germline.
Comment: Variant summary: MPDZ c.1445T>A (p.Leu482X) results in a premature termination codon, predicted to cause a truncation of the encoded protein or absence of the protein due to nonsense mediated decay, which are commonly known mechanisms for disease. The variant was absent in 243400 control chromosomes. To our knowledge, no occurrence of c.1445T>A in individuals affected with Hydrocephalus, Nonsyndromic, Autosomal Recessive 2 and no experimental evidence demonstrating its impact on protein function have been reported. ClinVar contains an entry for this variant (Variation ID: 1703122). Based on the evidence outlined above, the variant was classified as pathogenic.

Greenwood Genetic Center Diagnostic Laboratories, Greenwood Genetic Center
Classification: Likely pathogenic for Hydrocephalus, nonsyndromic, autosomal recessive 2. Last evaluated: 2022-06-19. Review status: criteria provided, single submitter. Criteria: ACMG Guidelines, 2015. Collection method: clinical testing. Allele origin: germline. Affected: yes.
Comment: PVS1, PM2